The following is an entry in ClinVar:

NM_003238.6(TGFB2):c.148C>G (p.Leu50Val)

Gene: TGFB2 (transforming growth factor beta 2; plus strand). Cytogenetic location: 1q41.
Variant type: single nucleotide variant.
Coding change: c.148C>G on transcript NM_003238.6 (MANE Select); coding-DNA position 148, C replaced by G.
Protein change: p.Leu50Val; replaces leucine 50 with valine.
Molecular consequence: missense variant. On other transcripts: non-coding transcript variant (2).
Genome position (GRCh38, 1-based): chr1:218,346,849, C>G. VCF-style: chr1-218346849-C-G. GRCh37 (hg19) VCF-style: chr1-218520191-C-G.
Other names: c.148C>G, p.Leu50Val (NM_001135599.4); short protein forms L50V.
Identifiers: ClinVar variation 3708497 (VCV003708497.2).

ClinVar aggregate classification (germline): Uncertain significance (1 of 4 stars; one submission).

Conditions:
Loeys-Dietz syndrome 4 (LDS4). Also called: ANEURYSM, AORTIC AND CEREBRAL, WITH ARTERIAL TORTUOSITY AND SKELETAL MANIFESTATIONS; TGFB2-Related Loeys-Dietz Syndrome. Identifiers: MedGen C3553762, MONDO:0013897, OMIM 614816.

gnomAD v4.1: 1 of 1,614,158 alleles (0.000062%); highest among the groups gnomAD compares: Non-Finnish European, 0.000085%; no homozygotes.

Submission:

Labcorp Genetics (formerly Invitae), Labcorp
Classification: Uncertain significance for Loeys-Dietz syndrome 4. Last evaluated: 2025-01-22. Review status: criteria provided, single submitter. Criteria: Invitae Variant Classification Sherloc (09022015). Collection method: clinical testing. Allele origin: germline.
Comment: This sequence change replaces leucine, which is neutral and non-polar, with valine, which is neutral and non-polar, at codon 50 of the TGFB2 protein (p.Leu50Val). This variant is not present in population databases (gnomAD no frequency). This variant has not been reported in the literature in individuals affected with TGFB2-related conditions. Invitae Evidence Modeling of protein sequence and biophysical properties (such as structural, functional, and spatial information, amino acid conservation, physicochemical variation, residue mobility, and thermodynamic stability) indicates that this missense variant is not expected to disrupt TGFB2 protein function with a negative predictive value of 80%. In summary, the available evidence is currently insufficient to determine the role of this variant in disease. Therefore, it has been classified as a Variant of Uncertain Significance.